The following is an entry in ClinVar:

ClinVar aggregate classification (germline): Uncertain significance. Review status: reviewed by expert panel (3 of 4 stars). 6 submissions from 6 submitters: Uncertain significance (1). 5 of the submissions do not count toward it. Last evaluated 2025-07-08.

Conditions:
Very long chain acyl-CoA dehydrogenase deficiency (ACADVLD). Also called: VLCAD Deficiency; Very Long-Chain Acyl-Coenzyme A Dehydrogenase Deficiency. Identifiers: Orphanet 26793, MedGen C3887523, MONDO:0008723, OMIM 201475.
Inborn genetic diseases. Identifiers: MedGen C0950123, MeSH D030342.

Allele frequency attached by ClinVar (database versions not stated): TOPMed 0.00001.

Submissions (6):

ClinGen ACADVL Variant Curation Expert Panel, ClinGen
Classification: Uncertain significance for Very long chain acyl-CoA dehydrogenase deficiency. Last evaluated: 2025-07-08. Review status: reviewed by expert panel. Criteria: clingen acadvl acmg specifications v1. Collection method: curation. Allele origin: germline. Inheritance: Autosomal recessive inheritance.
Comment: The c.1891dup (p.Tyr631fs) variant in ACADVL, also known as p.(Tyr631LeufsTer59), is a frameshift variant that may cause loss of function of the protein; however it is predicted to escape nonsense mediated decay, remove <10% of the protein, and extend the protein by 33 amino acids (PVS1_Moderate). At least one individual with this variant was identified by newborn screen, but this information is insufficient to use toward classification (PMID: 26385305). This variant is absent from gnomAD v4.1 (PM2_Supporting). In summary, this variant meets the criteria to be classified as a variant of uncertain significance for autosomal recessive very long chain acyl-CoA dehydrogenase (VLCAD) deficiency based on the ACMG/AMP criteria applied, as specified by the ClinGen ACADVL Variant Curation Expert Panel: PVS1_Moderate, PM2_Supporting (ACADVL VCEP specifications version 2; approved May 1, 2025).

GeneDx
Classification: Likely pathogenic. Last evaluated: 2026-02-24. Review status: criteria provided, single submitter. Criteria: GeneDx Variant Classification Process June 2021. Collection method: clinical testing. Allele origin: germline. Not counted in ClinVar's aggregate classification.
Comment: Frameshift variant predicted to result in abnormal protein length as the last 25 amino acids are replaced with 58 different amino acids; Not observed at significant frequency in large population cohorts (gnomAD); This variant is associated with the following publications: (PMID: 26385305, 32778825)

Labcorp Genetics (formerly Invitae), Labcorp
Classification: Pathogenic for Very long chain acyl-CoA dehydrogenase deficiency. Last evaluated: 2026-01-25. Review status: criteria provided, single submitter. Criteria: Invitae Variant Classification Sherloc (09022015). Collection method: clinical testing. Allele origin: germline. Not counted in ClinVar's aggregate classification.
Comment: This sequence change is expected to alter the c-terminus of the ACADVL protein (p.Tyr631Leufs*59). While this is not anticipated to result in nonsense mediated decay, it is expected to disrupt the last 25 amino acid(s) of the ACADVL protein and extend the protein by 33 additional amino acid residues. This variant is not present in population databases (gnomAD no frequency). This frameshift has been observed in individual(s) with clinical features of very long-chain acyl-CoA dehydrogenase deficiency (PMID: 26385305). ClinVar contains an entry for this variant (Variation ID: 932837). Algorithms developed to predict the effect of sequence changes on RNA splicing suggest that this variant may disrupt the consensus splice site. This variant disrupts a region of the ACADVL protein in which other variant(s) (p.Val642Met) have been determined to be pathogenic (PMID: 31031081). This suggests that this is a clinically significant region of the protein, and that variants that disrupt it are likely to be disease-causing. For these reasons, this variant has been classified as Pathogenic.

Fulgent Genetics
Classification: Likely pathogenic for Very long chain acyl-CoA dehydrogenase deficiency. Last evaluated: 2024-05-30. Review status: criteria provided, single submitter. Criteria: ACMG Guidelines, 2015. Collection method: clinical testing. Allele origin: germline. Not counted in ClinVar's aggregate classification.

Wong Mito Lab, Molecular and Human Genetics, Baylor College of Medicine
Classification: Pathogenic for Very long chain acyl-CoA dehydrogenase deficiency. Last evaluated: 2019-11-01. Review status: criteria provided, single submitter. Criteria: ACMG Guidelines, 2015. Collection method: clinical testing. Allele origin: germline. Not counted in ClinVar's aggregate classification.
Comment: The NM_000018.3:c.1891dupT (NP_000009.1:p.Tyr631LeufsTer59) [GRCH38: NC_000017.11:g.7225020dup] variant in ACADVL gene is interpretated to be Pathogenic based on ACMG guidelines (PMID: 25741868). This variant has been reported. This variant meets the following evidence codes reported in the ACMG guidelines: PVS1, PS3

Ambry Genetics
Classification: Uncertain significance for Inborn genetic diseases. Last evaluated: 2018-01-12. Review status: criteria provided, single submitter. Criteria: Ambry exome assertion method (8-5-2015). Collection method: clinical testing. Allele origin: germline. Affected: yes. Observed: 1 variant allele. Not counted in ClinVar's aggregate classification.

Literature cited by the submitters: PubMed 26385305 (cited by Labcorp Genetics (formerly Invitae), Labcorp and Ambry Genetics); PubMed 31031081 (cited by Labcorp Genetics (formerly Invitae), Labcorp).

NM_000018.4(ACADVL):c.1891dup (p.Tyr631fs)

Gene: ACADVL (acyl-CoA dehydrogenase very long chain; plus strand). Cytogenetic location: 17p13.1.
Variant type: Duplication.
Coding change: c.1891dup on transcript NM_000018.4 (MANE Select); coding-DNA position 1891, one base duplicated (T; older notation c.1891dupT).
Protein change: p.Tyr631fs; shifts the reading frame from tyrosine 631.
Molecular consequence: frameshift variant.
Genome position (GRCh38, 1-based): chr17:7,225,020, T duplicated. VCF-style (leftmost placement, unchanged base first): chr17-7225019-C-CT. GRCh37 (hg19) VCF-style: chr17-7128338-C-CT.
Other names: NM_000018.4(ACADVL):c.1891dup; p.Tyr631fs; c.1891dup (NM_000018.2); c.1825dup, p.Tyr609fs (NM_001033859.3); c.1960dup, p.Tyr654fs (NM_001270447.2); c.1663dup, p.Tyr555fs (NM_001270448.2); short protein forms Y609fs, Y631fs, Y654fs, Y555fs.
Identifiers: ClinVar variation 932837 (VCV000932837.11), dbSNP rs2071412066, ClinGen allele CA1139665162.